The following is an entry in ClinVar:

ClinVar aggregate classification (germline): Uncertain significance (1 of 4 stars; one submission).

Conditions:
PLXNA1-related disorder. Also called: PLXNA1-related condition.

Submission:

PreventionGenetics, part of Exact Sciences
Classification: Uncertain significance for PLXNA1-related condition. Last evaluated: 2026-08-06. Review status: criteria provided, single submitter. Criteria: ACMG Guidelines, 2015. Collection method: clinical testing. Allele origin: germline.
Comment: The PLXNA1 c.3306G>A variant is predicted to result in the amino acid substitution p.Met1102Ile. To our knowledge, this variant has not been reported in the literature or in a large population database (gnomAD), indicating this variant is rare. At this time, the clinical significance of this variant is uncertain due to the absence of conclusive functional and genetic evidence.

NM_032242.4(PLXNA1):c.3306G>A (p.Met1102Ile)

Gene: PLXNA1 (plexin A1; plus strand). Cytogenetic location: 3q21.3.
Variant type: single nucleotide variant.
Coding change: c.3306G>A on transcript NM_032242.4 (MANE Select); coding-DNA position 3306, G replaced by A.
Protein change: p.Met1102Ile; replaces methionine 1102 with isoleucine.
Molecular consequence: missense variant.
Genome position (GRCh38, 1-based): chr3:127,017,454, G>A. VCF-style: chr3-127017454-G-A. GRCh37 (hg19) VCF-style: chr3-126736297-G-A.
Other names: short protein forms M1102I.
Identifiers: ClinVar variation 4997303 (VCV004997303.1).